The following is an entry in ClinVar:

NM_001220.5(CAMK2B):c.1486A>G (p.Ile496Val)

Gene: CAMK2B (calcium/calmodulin dependent protein kinase II beta; minus strand). Cytogenetic location: 7p13.
Variant type: single nucleotide variant.
Coding change: c.1486A>G on transcript NM_001220.5 (MANE Select); coding-DNA position 1486, A replaced by G.
Protein change: p.Ile496Val; replaces isoleucine 496 with valine.
Molecular consequence: missense variant. On other transcripts: intron variant (8).
Genome position (GRCh38, 1-based): chr7:44,226,627, T>C on the plus strand (A>G on the coding strand, the complement: CAMK2B is on the minus strand). VCF-style: chr7-44226627-T-C. GRCh37 (hg19) VCF-style: chr7-44266226-T-C.
Other names: c.947-5726A>G (NM_172084.3); c.1150+4379A>G (NM_172080.3); c.1036+4379A>G (NM_172083.3); c.1108+4379A>G (NM_172081.3); c.1153+4379A>G (NM_172079.3, NM_172082.3); c.1225+4379A>G (NM_001293170.2, NM_172078.3); short protein forms I496V.
Identifiers: ClinVar variation 4718709 (VCV004718709.1).

ClinVar aggregate classification (germline): Uncertain significance (1 of 4 stars; one submission).

gnomAD v4.1: 2 of 1,534,936 alleles (0.00013%); highest among the groups gnomAD compares: South Asian, 0.0025%; no homozygotes.

Submission:

Labcorp Genetics (formerly Invitae), Labcorp
Classification: Uncertain significance. Last evaluated: 2025-04-30. Review status: criteria provided, single submitter. Criteria: Invitae Variant Classification Sherloc (09022015). Collection method: clinical testing. Allele origin: germline.
Comment: This sequence change replaces isoleucine, which is neutral and non-polar, with valine, which is neutral and non-polar, at codon 496 of the CAMK2B protein (p.Ile496Val). This variant is not present in population databases (gnomAD no frequency). This variant has not been reported in the literature in individuals affected with CAMK2B-related conditions. An algorithm developed to predict the effect of missense changes on protein structure and function (PolyPhen-2) suggests that this variant is likely to be tolerated. In summary, the available evidence is currently insufficient to determine the role of this variant in disease. Therefore, it has been classified as a Variant of Uncertain Significance.